The following is an entry in ClinVar:

NM_000135.4(FANCA):c.283+1G>T

Gene: FANCA (FA complementation group A; minus strand). Cytogenetic location: 16q24.3.
Variant type: single nucleotide variant.
Coding change: c.283+1G>T on transcript NM_000135.4 (MANE Select); the canonical splice donor site of the intron after coding-DNA position 283, G replaced by T.
Molecular consequence: splice donor variant.
Genome position (GRCh38, 1-based): chr16:89,814,519, C>A on the plus strand (G>T on the coding strand, the complement: FANCA is on the minus strand). VCF-style: chr16-89814519-C-A. GRCh37 (hg19) VCF-style: chr16-89880927-C-A.
Other names: c.283+1G>T (NM_000135.3, NM_001286167.3, NM_001351830.2 and 1 more transcripts).
Identifiers: ClinVar variation 555413 (VCV000555413.15), dbSNP rs1232171121, ClinGen allele CA397482410.

ClinVar aggregate classification (germline): Pathogenic/Likely pathogenic. Review status: criteria provided, multiple submitters, no conflicts (2 of 4 stars). 5 submissions from 5 submitters: Pathogenic (2); Likely pathogenic (1). 2 of the submissions do not count toward it. Last evaluated 2025-03-13.

Conditions:
FANCA-related disorders.
Fanconi anemia (FA). Also called: Fanconi's anemia. Identifiers: Orphanet 84, MedGen C0015625, MeSH D005199, MONDO:0019391.
Fanconi anemia complementation group A (FANCA). Also called: Fanconi anemia, group A; FANCA-Related Fanconi Anemia. Identifiers: Orphanet 84, MedGen C3469521, MONDO:0009215, OMIM 227650.

gnomAD v4.1: 1 of 1,600,208 alleles (0.000062%); highest among the groups gnomAD compares: Admixed American, 0.0017%; no homozygotes.

Submissions (5):

Natera, Inc.
Classification: Pathogenic for Fanconi anemia. Last evaluated: 2025-03-13. Review status: criteria provided, single submitter. Criteria: Natera Variant Classification Schema (03/2026). Collection method: clinical testing. Allele origin: germline.
Comment: The c.283+1G>T variant in FANCA is a canonical splice donor site variant predicted to affect pre-mRNA splicing, which may result in an abnormal transcript and altered protein product. This variant is expected to result in nonsense mediated decay, truncation, or a dysfunctional protein product. This variant is rare in the general population with a frequency below the threshold expected for the associated phenotype(s). Another variant at this same site results in an alteration predicted to cause a similar molecular effect has been observed in individual(s) with the associated phenotype. Given the available evidence, this variant is classified as Pathogenic.

Blueprint Genetics
Classification: Likely pathogenic for FANCA-related disorders. Last evaluated: 2020-11-19. Review status: criteria provided, single submitter. Criteria: ACMG Guidelines, 2015. Collection method: clinical testing. Allele origin: germline. Affected: yes. Observed: 1 variant allele.

Labcorp Genetics (formerly Invitae), Labcorp
Classification: Pathogenic for Fanconi anemia. Last evaluated: 2018-07-24. Review status: criteria provided, single submitter. Criteria: Invitae Variant Classification Sherloc (09022015). Collection method: clinical testing. Allele origin: germline.
Comment: This sequence change affects a donor splice site in intron 3 of the FANCA gene. It is expected to disrupt RNA splicing and likely results in an absent or disrupted protein product. This variant is not present in population databases (ExAC no frequency). This finding is consistent with autosomal recessive inheritance, and suggests that this variant contributes to disease. Donor and acceptor splice site variants typically lead to a loss of protein function (PMID: 16199547), and loss-of-function variants in FANCA are known to be pathogenic (PMID: 19367192). For these reasons, this variant has been classified as Pathogenic.

Leiden Open Variation Database
Classification: Pathogenic for Fanconi anemia complementation group A. Last evaluated: 2020-02-28. Review status: no assertion criteria provided. Collection method: curation. Allele origin: germline. Affected: yes. Not counted in ClinVar's aggregate classification.
Comment: Curator: Arleen D. Auerbach. Submitter to LOVD: Sue Richards.

Counsyl
Classification: Likely pathogenic for Fanconi anemia complementation group A. Last evaluated: 2017-12-04. Review status: no assertion criteria provided. Collection method: clinical testing. Allele origin: unknown. Not counted in ClinVar's aggregate classification.

Literature cited by the submitters: PubMed 16199547 (cited by Labcorp Genetics (formerly Invitae), Labcorp); PubMed 19367192 (cited by Labcorp Genetics (formerly Invitae), Labcorp).